The following is an entry in ClinVar:

NM_000440.3(PDE6A):c.1637T>G (p.Met546Arg)

Gene: PDE6A (phosphodiesterase 6A; minus strand). Cytogenetic location: 5q32.
Variant type: single nucleotide variant.
Coding change: c.1637T>G on transcript NM_000440.3 (MANE Select); coding-DNA position 1637, T replaced by G.
Protein change: p.Met546Arg; replaces methionine 546 with arginine.
Molecular consequence: missense variant.
Genome position (GRCh38, 1-based): chr5:149,895,274, A>C on the plus strand (T>G on the coding strand, the complement: PDE6A is on the minus strand). VCF-style: chr5-149895274-A-C. GRCh37 (hg19) VCF-style: chr5-149274837-A-C.
Other names: short protein forms M546R.
Identifiers: ClinVar variation 957863 (VCV000957863.9), dbSNP rs758714143, ClinGen allele CA361695226.
Genomic context (GRCh38, chr5:149,895,274, plus strand): 5'-TTGAAGCCGTGCCGCCAGTTGTGGTAGGTGATCTTGCGGTAGCCCTTACTCAGGGAGTAC[A>C]TGAACCGCACCAGGGCCTGTGAACACATGCACATCAGTGAGGCAGGACACACCTGAAATG-3'
Protein context (NP_000431.2, residues 536-556): HIPQEALVRF[Met546Arg]YSLSKGYRKI

ClinVar aggregate classification (germline): Uncertain significance (1 of 4 stars; one submission).

gnomAD v4.1: 4 of 1,613,266 alleles (0.00025%); highest among the groups gnomAD compares: Non-Finnish European, 0.00034%; no homozygotes.

Submission:

Labcorp Genetics (formerly Invitae), Labcorp
Classification: Uncertain significance. Last evaluated: 2022-06-13. Review status: criteria provided, single submitter. Criteria: Invitae Variant Classification Sherloc (09022015). Collection method: clinical testing. Allele origin: germline.
Comment: In summary, the available evidence is currently insufficient to determine the role of this variant in disease. Therefore, it has been classified as a Variant of Uncertain Significance. Algorithms developed to predict the effect of sequence changes on RNA splicing suggest that this variant may create or strengthen a splice site. Algorithms developed to predict the effect of missense changes on protein structure and function are either unavailable or do not agree on the potential impact of this missense change (SIFT: "Deleterious"; PolyPhen-2: "Benign"; Align-GVGD: "Class C45"). ClinVar contains an entry for this variant (Variation ID: 957863). This variant has not been reported in the literature in individuals affected with PDE6A-related conditions. This variant is not present in population databases (gnomAD no frequency). This sequence change replaces methionine, which is neutral and non-polar, with arginine, which is basic and polar, at codon 546 of the PDE6A protein (p.Met546Arg).